The following is an entry in ClinVar:

ClinVar aggregate classification (germline): Conflicting classifications of pathogenicity. Review status: criteria provided, conflicting classifications (1 of 4 stars). 5 submissions from 5 submitters: Uncertain significance (4); Likely benign (1). Last evaluated 2025-04-18.

Conditions:
Hereditary cancer-predisposing syndrome. Also called: Hereditary neoplastic syndrome; Neoplastic Syndromes, Hereditary; Tumor predisposition; Hereditary Cancer Syndrome. Identifiers: Orphanet 140162, MedGen C0027672, MeSH D009386, MONDO:0015356.
Hereditary breast ovarian cancer syndrome. Also called: Hereditary breast and/or ovarian cancer syndrome; BRCA1- and BRCA2-Associated Hereditary Breast and Ovarian Cancer; Hereditary breast and ovarian cancer; Breast and ovarian cancer; Hereditary breast and ovarian cancer syndrome; Hereditary breast and ovarian cancer syndrome (HBOC). Identifiers: Orphanet 145, MedGen C0677776, MeSH D061325, MONDO:0003582. Disease mechanism: loss of function.
Breast-ovarian cancer, familial, susceptibility to, 2 (BROVCA2). Also called: BRCA2 Hereditary Breast and Ovarian Cancer. Identifiers: Orphanet 145, MedGen C2675520, MONDO:0012933, OMIM 612555. Disease mechanism: loss of function.

Submissions (5):

Ambry Genetics
Classification: Uncertain significance for Hereditary cancer-predisposing syndrome. Last evaluated: 2025-04-18. Review status: criteria provided, single submitter. Criteria: Ambry Variant Classification Scheme 2023. Collection method: clinical testing. Allele origin: germline.
Comment: The c.8005_8007delAGA variant (also known as p.R2669del) is located in coding exon 17 of the BRCA2 gene. This variant results from an in-frame AGA deletion at nucleotide positions 8005 to 8007. This results in the in-frame deletion of an arginine at codon 2669. This nucleotide region is well conserved in available vertebrate species. In addition, the in silico prediction for this alteration is inconclusive (Choi Y et al. PLoS ONE. 2012; 7(10):e46688). Since supporting evidence is limited at this time, the clinical significance of this alteration remains unclear.

Myriad Genetics, Inc.
Classification: Likely benign for Breast-ovarian cancer, familial, susceptibility to, 2. Last evaluated: 2024-12-19. Review status: criteria provided, single submitter. Criteria: Myriad Autosomal Dominant, Autosomal Recessive and X-Linked Classification Criteria (2023). Collection method: clinical testing. Allele origin: unknown.
Comment: This variant is considered likely benign. This variant is strongly associated with less severe personal and family histories of cancer, typical for individuals without pathogenic variants in this gene [PMID: 25085752].

Labcorp Genetics (formerly Invitae), Labcorp
Classification: Uncertain significance for Hereditary breast ovarian cancer syndrome. Last evaluated: 2024-12-18. Review status: criteria provided, single submitter. Criteria: Invitae Variant Classification Sherloc (09022015). Collection method: clinical testing. Allele origin: germline.
Comment: This variant, c.8005_8007del, results in the deletion of 1 amino acid(s) of the BRCA2 protein (p.Arg2669del), but otherwise preserves the integrity of the reading frame. This variant is present in population databases (no rsID available, gnomAD 0.0009%). This variant has not been reported in the literature in individuals affected with BRCA2-related conditions. ClinVar contains an entry for this variant (Variation ID: 462464). Experimental studies and prediction algorithms are not available or were not evaluated, and the functional significance of this variant is currently unknown. In summary, the available evidence is currently insufficient to determine the role of this variant in disease. Therefore, it has been classified as a Variant of Uncertain Significance.

Quest Diagnostics Nichols Institute San Juan Capistrano
Classification: Uncertain significance. Last evaluated: 2023-01-16. Review status: criteria provided, single submitter. Criteria: Quest Diagnostics criteria. Collection method: clinical testing. Allele origin: unknown.
Comment: The variant has not been reported in the published literature. The frequency of this variant in the general population, 0.000004 (1/250648 chromosomes), is uninformative in assessment of its pathogenicity. Based on the available information, we are unable to determine the clinical significance of this variant.

Color Diagnostics, LLC DBA Color Health
Classification: Uncertain significance for Hereditary cancer-predisposing syndrome. Last evaluated: 2020-05-11. Review status: criteria provided, single submitter. Criteria: ACMG Guidelines, 2015. Collection method: clinical testing. Allele origin: germline.
Comment: This variant causes an in-frame deletion of one amino acid of the BRCA2 protein. To our knowledge, functional studies have not been reported for this variant. This variant has not been reported in individuals affected with hereditary cancer in the literature. This variant has been identified in 1/250648 chromosomes in the general population by the Genome Aggregation Database (gnomAD). The available evidence is insufficient to determine the role of this variant in disease conclusively. Therefore, this variant is classified as a Variant of Uncertain Significance.

Literature cited by the submitters: PubMed 25085752 (cited by Myriad Genetics, Inc.).

NM_000059.4(BRCA2):c.8002AGA[1] (p.Arg2669del)

Gene: BRCA2 (BRCA2 DNA repair associated; plus strand). Cytogenetic location: 13q13.1.
Variant type: Microsatellite.
Coding change: c.8002AGA[1] on transcript NM_000059.4 (MANE Select); one copy of the 3-base unit AGA starting at c.8002; the reference has two copies in a row; one copy, 3 bases deleted.
Protein change: p.Arg2669del; deletes arginine 2669.
Molecular consequence: inframe deletion.
Genome position (GRCh38, 1-based): chr13:32,363,207-32,363,209, AGA deleted; deleting any 3 consecutive bases within chr13:32,363,204-32,363,209 gives the same sequence; the position shown is the placement nearest the transcript's 3' end. VCF-style (leftmost placement, unchanged base first): chr13-32363203-CAGA-C. GRCh37 (hg19) VCF-style: chr13-32937340-CAGA-C.
Other names: c.8005_8007delAGA (NM_000059.3); short protein forms R2669del.
Identifiers: ClinVar variation 462464 (VCV000462464.16), dbSNP rs1249719262, ClinGen allele CA609453898.